The following is an entry in ClinVar:

ClinVar aggregate classification (germline): Conflicting classifications of pathogenicity. Review status: criteria provided, conflicting classifications (1 of 4 stars). 3 submissions from 3 submitters: Uncertain significance (2); Likely benign (1). Last evaluated 2024-10-22.

Conditions:
Glomerulopathy with fibronectin deposits 2 (GFND2). Identifiers: Orphanet 84090, MedGen C1866075, MONDO:0011165, OMIM 601894.
Spondylometaphyseal dysplasia - Sutcliffe type. Also called: Spondylometaphyseal dysplasia, 'corner fracture' type; Spondylometaphyseal Dysplasia, Corner Fracture Type; Sutcliffe type of spondylometaphyseal dysplasia; Sutcliffe SMD. Identifiers: Orphanet 93315, MedGen C0432221, MONDO:0008479, OMIM 184255.
Inborn genetic diseases. Identifiers: MedGen C0950123, MeSH D030342.

Allele frequency attached by ClinVar (database versions not stated): ExAC 0.00002; gnomAD exomes 0.00004; TOPMed 0.00004; gnomAD 0.00007; ESP Exome Variant Server 0.00008.
gnomAD v4.1: 116 of 1,613,682 alleles (0.0072%); highest among the groups gnomAD compares: Non-Finnish European, 0.0088%; no homozygotes.

Submissions (3):

Labcorp Genetics (formerly Invitae), Labcorp
Classification: Uncertain significance. Last evaluated: 2024-10-22. Review status: criteria provided, single submitter. Criteria: Invitae Variant Classification Sherloc (09022015). Collection method: clinical testing. Allele origin: germline.
Comment: This sequence change replaces asparagine, which is neutral and polar, with serine, which is neutral and polar, at codon 624 of the FN1 protein (p.Asn624Ser). This variant is present in population databases (rs199764052, gnomAD 0.009%), and has an allele count higher than expected for a pathogenic variant. This variant has not been reported in the literature in individuals affected with FN1-related conditions. ClinVar contains an entry for this variant (Variation ID: 1408608). An algorithm developed to predict the effect of missense changes on protein structure and function (PolyPhen-2) suggests that this variant is likely to be tolerated. In summary, the available evidence is currently insufficient to determine the role of this variant in disease. Therefore, it has been classified as a Variant of Uncertain Significance.

Fulgent Genetics
Classification: Likely benign for Spondylometaphyseal dysplasia - Sutcliffe type; Glomerulopathy with fibronectin deposits 2. Last evaluated: 2024-06-17. Review status: criteria provided, single submitter. Criteria: ACMG Guidelines, 2015. Collection method: clinical testing. Allele origin: germline.

Ambry Genetics
Classification: Uncertain significance for Inborn genetic diseases. Last evaluated: 2022-03-29. Review status: criteria provided, single submitter. Criteria: Ambry Variant Classification Scheme 2023. Collection method: clinical testing. Allele origin: germline.

NM_212482.4(FN1):c.1871A>G (p.Asn624Ser)

Gene: FN1 (fibronectin 1; minus strand). Cytogenetic location: 2q35.
Variant type: single nucleotide variant.
Coding change: c.1871A>G on transcript NM_212482.4 (MANE Select); coding-DNA position 1871, A replaced by G.
Protein change: p.Asn624Ser; replaces asparagine 624 with serine.
Molecular consequence: missense variant.
Genome position (GRCh38, 1-based): chr2:215,414,907, T>C on the plus strand (A>G on the coding strand, the complement: FN1 is on the minus strand). VCF-style: chr2-215414907-T-C. GRCh37 (hg19) VCF-style: chr2-216279630-T-C.
Other names: c.1871A>G, p.Asn624Ser (NM_001306129.2, NM_001306130.2, NM_001306131.2 and 14 more transcripts); c.1871A>G (NM_212482.1); short protein forms N624S.
Identifiers: ClinVar variation 1408608 (VCV001408608.9), dbSNP rs199764052, ClinGen allele CA2095139.